The following is an entry in ClinVar:

NM_138694.4(PKHD1):c.9923C>G (p.Pro3308Arg)

Gene: PKHD1 (PKHD1 ciliary IPT domain containing fibrocystin/polyductin; minus strand). Cytogenetic location: 6p12.3.
Variant type: single nucleotide variant.
Coding change: c.9923C>G on transcript NM_138694.4 (MANE Select); coding-DNA position 9923, C replaced by G.
Protein change: p.Pro3308Arg; replaces proline 3308 with arginine.
Molecular consequence: missense variant.
Genome position (GRCh38, 1-based): chr6:51,746,796, G>C on the plus strand (C>G on the coding strand, the complement: PKHD1 is on the minus strand). VCF-style: chr6-51746796-G-C. GRCh37 (hg19) VCF-style: chr6-51611594-G-C.
Other names: c.9923C>G, p.Pro3308Arg (NM_170724.3); short protein forms P3308R.
Identifiers: ClinVar variation 655821 (VCV000655821.17), dbSNP rs1307732644, ClinGen allele CA364419412.
Genomic context (GRCh38, chr6:51,746,796, plus strand): 5'-GGAAAGTAGAACTTGTTTTTATCTTTTATCTTTAGCATCCTGGTCCTCTCTGCTGTTATT[G>C]GGTGCATAATTCCACTGTTCTCTGCATTTGGTAGAATGCAGACATCCAGGTCATCGCTAT-3'
Protein context (NP_619639.3, residues 3298-3318): PNAENSGIMH[Pro3308Arg]ITAERTRMLK

ClinVar aggregate classification (germline): Uncertain significance. Review status: criteria provided, multiple submitters, no conflicts (2 of 4 stars). 3 submissions from 3 submitters: Uncertain significance (2). 1 of the submissions does not count toward it. Last evaluated 2021-07-19.

Conditions:
Polycystic kidney disease 4 (PKD4). Also called: POLYCYSTIC KIDNEY DISEASE 4 WITH OR WITHOUT POLYCYSTIC LIVER DISEASE; PKD3; Autosomal Recessive Polycystic Kidney Disease – PKHD1; POLYCYSTIC KIDNEY AND HEPATIC DISEASE 1; POLYCYSTIC KIDNEY DISEASE, INFANTILE, TYPE I. Identifiers: MedGen C4540575, MONDO:0033004, OMIM 263200.
Autosomal recessive polycystic kidney disease (ARPKD). Also called: AR polycystic kidney disease. Identifiers: Orphanet 731, Orphanet 8378, MedGen C0085548, MeSH D017044, MONDO:0009889.

Allele frequency attached by ClinVar (database versions not stated): gnomAD exomes below 0.00001; TOPMed below 0.00001.
gnomAD v4.1: 1 of 1,610,312 alleles (0.000062%); highest among the groups gnomAD compares: Non-Finnish European, 0.000085%; no homozygotes.

Submissions (3):

Fulgent Genetics
Classification: Uncertain significance for Polycystic kidney disease 4. Last evaluated: 2021-07-19. Review status: criteria provided, single submitter. Criteria: ACMG Guidelines, 2015. Collection method: clinical testing. Allele origin: unknown.

Labcorp Genetics (formerly Invitae), Labcorp
Classification: Uncertain significance for Autosomal recessive polycystic kidney disease. Last evaluated: 2019-02-10. Review status: criteria provided, single submitter. Criteria: Invitae Variant Classification Sherloc (09022015). Collection method: clinical testing. Allele origin: germline.
Comment: This sequence change replaces proline with arginine at codon 3308 of the PKHD1 protein (p.Pro3308Arg). The proline residue is moderately conserved and there is a moderate physicochemical difference between proline and arginine. In summary, the available evidence is currently insufficient to determine the role of this variant in disease. Therefore, it has been classified as a Variant of Uncertain Significance. Algorithms developed to predict the effect of missense changes on protein structure and function are either unavailable or do not agree on the potential impact of this missense change (SIFT: "Tolerated"; PolyPhen-2: "Probably Damaging"; Align-GVGD: "Class C0"). This variant has not been reported in the literature in individuals with PKHD1-related disease. This variant is not present in population databases (ExAC no frequency).

Natera, Inc.
Classification: Uncertain significance for Autosomal recessive polycystic kidney disease. Last evaluated: 2018-12-23. Review status: no assertion criteria provided. Collection method: clinical testing. Allele origin: germline. Not counted in ClinVar's aggregate classification.